The following is an entry in ClinVar:

ClinVar aggregate classification (germline): Likely benign (1 of 4 stars; one submission).

Submission:

GeneDx
Classification: Likely benign. Last evaluated: 2017-12-20. Review status: criteria provided, single submitter. Criteria: GeneDx Variant Classification (06012015). Collection method: clinical testing. Allele origin: germline. Affected: yes.
Comment: This variant is considered likely benign or benign based on one or more of the following criteria: it is a conservative change, it occurs at a poorly conserved position in the protein, it is predicted to be benign by multiple in silico algorithms, and/or has population frequency not consistent with disease.

NM_000093.5(COL5A1):c.5137-20C>T

Genes: COL5A1 (collagen type V alpha 1 chain; plus strand), LOC101448202 (uncharacterized LOC101448202; minus strand). Cytogenetic location: 9q34.3.
Variant type: single nucleotide variant.
Coding change: c.5137-20C>T on transcript NM_000093.5 (MANE Select); 20 bases into the intron before coding-DNA position 5137, C replaced by T.
Molecular consequence: intron variant.
Genome position (GRCh38, 1-based): chr9:134,834,951, C>T. VCF-style: chr9-134834951-C-T. GRCh37 (hg19) VCF-style: chr9-137726797-C-T.
Other names: c.5137-20C>T (NM_001278074.1).
Identifiers: ClinVar variation 514290 (VCV000514290.1), dbSNP rs1554726232, ClinGen allele CA658797357.